The following is an entry in ClinVar:

ClinVar aggregate classification (germline): Uncertain significance. Review status: criteria provided, single submitter (1 of 4 stars). 2 submissions from 2 submitters: Uncertain significance (1). 1 of the submissions does not count toward it. Last evaluated 2025-01-27.

Conditions:
SMPD1-related disorder. Also called: SMPD1-related condition.
Sphingomyelin/cholesterol lipidosis. Also called: Niemann-Pick disease. Identifiers: MedGen C0028064, MONDO:0001982.

Allele frequency attached by ClinVar (database versions not stated): gnomAD exomes below 0.00001 and 0.00001; gnomAD 0.00001; TOPMed 0.00001; ExAC 0.00003; ESP Exome Variant Server 0.00008.
gnomAD v4.1: 4 of 1,613,898 alleles (0.00025%); highest among the groups gnomAD compares: African/African-American, 0.0013%; no homozygotes.

Submissions (2):

PreventionGenetics, part of Exact Sciences
Classification: Uncertain significance for SMPD1-related condition. Last evaluated: 2025-01-27. Review status: criteria provided, single submitter. Criteria: ACMG Guidelines, 2015. Collection method: clinical testing. Allele origin: germline.
Comment: The SMPD1 c.318+5G>A variant is predicted to interfere with splicing. To our knowledge, this variant has not been reported in the literature. This variant is reported in 0.0018% of alleles in individuals of European (Non-Finnish) descent in gnomAD. This variant is predicted to alter splicing based on available splicing prediction programs (SpliceAI, Jaganathan et al. 2019. PubMed ID: 30661751). However, the use of computer prediction programs is not equivalent to functional evidence. At this time, the clinical significance of this variant is uncertain due to the absence of conclusive functional and genetic evidence.

Natera, Inc.
Classification: Uncertain significance for Acid sphingomyelinase deficiency. Last evaluated: 2020-06-30. Review status: no assertion criteria provided. Collection method: clinical testing. Allele origin: germline. Not counted in ClinVar's aggregate classification.

NM_000543.5(SMPD1):c.318+5G>A

Gene: SMPD1 (sphingomyelin phosphodiesterase 1; plus strand). Cytogenetic location: 11p15.4.
Variant type: single nucleotide variant.
Coding change: c.318+5G>A on transcript NM_000543.5 (MANE Select); 5 bases into the intron after coding-DNA position 318, G replaced by A.
Molecular consequence: intron variant.
Genome position (GRCh38, 1-based): chr11:6,390,921, G>A. VCF-style: chr11-6390921-G-A. GRCh37 (hg19) VCF-style: chr11-6412151-G-A.
Other names: c.318+5G>A (NM_000543.4, NM_001365135.2, NM_001318087.2 and 1 more transcripts); c.-644+5G>A (NM_001318088.2).
Identifiers: ClinVar variation 991122 (VCV000991122.2), dbSNP rs375723261, ClinGen allele CA5852550.